The following is an entry in ClinVar:

ClinVar aggregate classification (germline): Pathogenic (1 of 4 stars; one submission).

Conditions:
Renal cysts and diabetes syndrome (RCAD). Also called: Familial hypoplastic, glomerulocystic kidney; MATURITY-ONSET DIABETES OF THE YOUNG, TYPE 5. Identifiers: Orphanet 93111, MedGen C0431693, MONDO:0007669, OMIM 137920.

Submission:

Victorian Clinical Genetics Services, Murdoch Childrens Research Institute
Classification: Pathogenic for Renal cysts and diabetes syndrome. Last evaluated: 2023-07-17. Review status: criteria provided, single submitter. Criteria: ACMG Guidelines, 2015. Collection method: clinical testing. Allele origin: germline. Inheritance: Autosomal dominant inheritance. Affected: yes.
Comment: Based on the classification scheme VCGS_Germline_v1.3.4, this variant is classified as Pathogenic. Following criteria are met: 0103 - Dominant negative, loss of function, and gain of function are all reported mechanisms of disease in this gene and are associated with type 2 diabetes mellitus (MIM#125853) and renal cysts and diabetes syndrome (MIM#137920; OMIM, PMID: 25536396, 11845238, 15509593). (I) 0107 - This gene is associated with autosomal dominant disease. (I) 0115 - Variants in this gene are known to have variable expressivity. There is significant interfamilial and intrafamilial variability of HNF1B-related nephropathy (PMID: 33305128). (I) 0201 - Variant is predicted to cause nonsense-mediated decay (NMD) and loss of protein (premature termination codon is located at least 54 nucleotides upstream of the final exon-exon junction). (SP) 0251 - This variant is heterozygous. (I) 0301 - Variant is absent from gnomAD (both v2 and v3). (SP) 0701 - Other NMD-predicted variants comparable to the one identified in this case have very strong previous evidence for pathogenicity (ClinVar). (SP) 0807 - This variant has no previous evidence of pathogenicity. (I) 0905 - No published segregation evidence has been identified for this variant. (I) 1007 - No published functional evidence has been identified for this variant. (I) 1208 - Inheritance information for this variant is not currently available in this individual. (I) Legend: (SP) - Supporting pathogenic, (I) - Information, (SB) - Supporting benign

Literature cited by the submitters: PubMed 11845238; PubMed 15509593; PubMed 25536396; PubMed 33305128.

NM_000458.4(HNF1B):c.1067dup (p.Asn357fs)

Gene: HNF1B (HNF1 homeobox B; minus strand). Cytogenetic location: 17q12.
Variant type: Duplication.
Coding change: c.1067dup on transcript NM_000458.4 (MANE Select); coding-DNA position 1067, one base duplicated (G; older notation c.1067dupG).
Protein change: p.Asn357fs; shifts the reading frame from asparagine 357.
Molecular consequence: frameshift variant.
Genome position (GRCh38, 1-based): chr17:37,710,642, C duplicated on the plus strand (G on the coding strand, the reverse complement: HNF1B is on the minus strand); the first of 3 consecutive C bases (chr17:37,710,642-37,710,644); duplicating any one gives the same sequence. VCF-style (leftmost placement, unchanged base first): chr17-37710641-T-TC. GRCh37 (hg19) VCF-style: chr17-36070649-T-TC.
Other names: c.989dup, p.Asn331fs (NM_001165923.4, NM_001304286.2); c.1067dup, p.Asn357fs (NM_001411100.1); short protein forms N331fs, N357fs.
Identifiers: ClinVar variation 3255163 (VCV003255163.1), dbSNP rs2511724129.